The following is an entry in ClinVar:

NM_001365276.2(TNXB):c.10996G>A (p.Val3666Met)

Genes: TNXB (tenascin XB; minus strand), LOC106780803 (tenascin XB recombination region; plus strand). Cytogenetic location: 6p21.33.
Variant type: single nucleotide variant.
Coding change: c.10996G>A on transcript NM_001365276.2 (MANE Select); coding-DNA position 10996, G replaced by A.
Protein change: p.Val3666Met; replaces valine 3666 with methionine.
Molecular consequence: missense variant.
Genome position (GRCh38, 1-based): chr6:32,044,648, C>T on the plus strand (G>A on the coding strand, the complement: TNXB is on the minus strand). VCF-style: chr6-32044648-C-T. GRCh37 (hg19) VCF-style: chr6-32012425-C-T.
Other names: p.Val3664Met; c.11737G>A, p.Val3913Met (NM_001428335.1); c.10990G>A, p.Val3664Met (NM_019105.8); c.283G>A, p.Val95Met (NM_032470.4); short protein forms V3664M, V3666M, V3913M, V95M.
Identifiers: ClinVar variation 4684945 (VCV004684945.1).

ClinVar aggregate classification (germline): Likely benign (1 of 4 stars; one submission).

Submission:

Mayo Clinic Laboratories, Mayo Clinic
Classification: Likely benign. Last evaluated: 2025-07-11. Review status: criteria provided, single submitter. Criteria: ACMG Guidelines, 2015. Collection method: clinical testing. Allele origin: germline. Observed: 5 variant alleles.
Comment: BS1, BP4

Literature cited by the submitters: PubMed 30975432.